The following is an entry in ClinVar:

NM_006767.4(LZTR1):c.1950_1961delinsG (p.Leu651fs)

Gene: LZTR1 (leucine zipper like post translational regulator 1; plus strand). Cytogenetic location: 22q11.21.
Variant type: Indel.
Coding change: c.1950_1961delinsG on transcript NM_006767.4 (MANE Select); coding-DNA positions 1950 to 1961, TCTGATCCAGGA replaced by G.
Protein change: p.Leu651fs; shifts the reading frame from leucine 651.
Molecular consequence: frameshift variant.
Genome position (GRCh38, 1-based): chr22:20,995,753-20,995,764, TCTGATCCAGGA replaced by G. VCF-style: chr22-20995753-TCTGATCCAGGA-G. GRCh37 (hg19) VCF-style: chr22-21350042-TCTGATCCAGGA-G.
Other names: short protein forms L651fs.
Identifiers: ClinVar variation 2447714 (VCV002447714.2), dbSNP rs2518623764, ClinGen allele CA2580099255.

ClinVar aggregate classification (germline): Pathogenic (1 of 4 stars; one submission).

Conditions:
Cardiovascular phenotype. Identifiers: MedGen CN230736.
Hereditary cancer-predisposing syndrome. Also called: Neoplastic Syndromes, Hereditary; Hereditary Cancer Syndrome; Tumor predisposition; Hereditary neoplastic syndrome. Identifiers: Orphanet 140162, MedGen C0027672, MeSH D009386, MONDO:0015356.

Submission:

Ambry Genetics
Classification: Pathogenic for Cardiovascular phenotype; Hereditary cancer-predisposing syndrome. Last evaluated: 2022-12-22. Review status: criteria provided, single submitter. Criteria: Ambry Variant Classification Scheme 2023. Collection method: clinical testing. Allele origin: germline.
Comment: The c.1950_1961del12insG pathogenic mutation, located in coding exon 17 of the LZTR1 gene, results from the deletion of 12 nucleotides and insertion of one nucleotide causing a translational frameshift with a predicted alternate stop codon (p.L651Hfs*14). This alteration is expected to result in loss of function by premature protein truncation or nonsense-mediated mRNA decay. Loss-of-function variants in LZTR1 are related to an increased risk for schwannomas and autosomal recessive Noonan syndrome; however, such associations with autosomal dominant Noonan syndrome have not been observed (Piotrowski A et al. Nat Genet. 2014 Feb;46:182-7; Yamamoto GL et al. J Med Genet. 2015 Jun;52:413-21; Johnston JJ et al. Genet Med. 2018 10;20:1175-1185). Based on the supporting evidence, this variant is pathogenic for an increased risk of LZTR1-related schwannomatosis (SWN) and would be expected to cause autosomal recessive Noonan syndrome when present along with a second pathogenic or likely pathogenic variant on the other allele; however, the association of this alteration with autosomal dominant Noonan syndrome is unlikely.